The following is an entry in ClinVar:

ClinVar aggregate classification (germline): Pathogenic/Likely pathogenic. Review status: criteria provided, multiple submitters, no conflicts (2 of 4 stars). 3 submissions from 3 submitters: Pathogenic (2); Likely pathogenic (1). Last evaluated 2024-03-22.

Conditions:
6-Pyruvoyl-tetrahydrobiopterin synthase deficiency. Also called: PTS DEFICIENCY; HYPERPHENYLALANINEMIA, TETRAHYDROBIOPTERIN-DEFICIENT, DUE TO PTS DEFICIENCY; PTS-Related Tetrahydrobiopterin Deficiency; 6-Pyruvoyltetrahydropterin Synthase Deficiency; Hyperphenylalanemia, BH4-deficient, A; Hyperphenylalaninemia due to 6-pyruvoyl-tetrahydropterin synthase deficiency. Identifiers: Orphanet 13, Orphanet 238583, MedGen C0878676, MONDO:0009863, OMIM 261640.

Submissions (3):

Natera, Inc.
Classification: Likely pathogenic for 6-Pyruvoyl-tetrahydrobiopterin synthase deficiency. Last evaluated: 2024-03-22. Review status: criteria provided, single submitter. Criteria: Natera Variant Classification Schema (03/2026). Collection method: clinical testing. Allele origin: germline.
Comment: The c.331G>A variant in PTS is a missense variant predicted to cause substitution of alanine to threonine at amino acid 111. This variant is rare in the general population with a frequency below the threshold expected for the associated phenotype(s). This variant has been observed in one or more individuals affected with the associated recessive disease, as either homozygous or compound heterozygous with a second variant (PMID: 27246466, 37950276, 23138986). A different variant at the same position has been determined to be Pathogenic or Likely Pathogenic. Given the available evidence, this variant is classified as Likely Pathogenic.

Labcorp Genetics (formerly Invitae), Labcorp
Classification: Pathogenic for 6-Pyruvoyl-tetrahydrobiopterin synthase deficiency. Last evaluated: 2023-11-24. Review status: criteria provided, single submitter. Criteria: Invitae Variant Classification Sherloc (09022015). Collection method: clinical testing. Allele origin: germline.
Comment: This sequence change replaces alanine, which is neutral and non-polar, with threonine, which is neutral and polar, at codon 111 of the PTS protein (p.Ala111Thr). This variant is not present in population databases (gnomAD no frequency). This missense change has been observed in individual(s) with biopterin-deficient hyperphenylalaninemia (PMID: 22237589, 27246466, 29499199, 30001213). ClinVar contains an entry for this variant (Variation ID: 1453083). An algorithm developed to predict the effect of missense changes on protein structure and function (PolyPhen-2) suggests that this variant is likely to be disruptive. This variant disrupts the p.Ala111 amino acid residue in PTS. Other variant(s) that disrupt this residue have been determined to be pathogenic (PMID: 29685341). This suggests that this residue is clinically significant, and that variants that disrupt this residue are likely to be disease-causing. For these reasons, this variant has been classified as Pathogenic.

Women's Health and Genetics/Laboratory Corporation of America, LabCorp
Classification: Pathogenic for 6-Pyruvoyl-tetrahydrobiopterin synthase deficiency. Last evaluated: 2023-07-12. Review status: criteria provided, single submitter. Criteria: LabCorp Variant Classification Summary - May 2015. Collection method: clinical testing. Allele origin: germline.
Comment: Variant summary: PTS c.331G>A (p.Ala111Thr) results in a non-conservative amino acid change in the encoded protein sequence. Three of five in-silico tools predict a damaging effect of the variant on protein function. The variant was absent in 249178 control chromosomes in gnomAD. c.331G>A has been reported in the literature in multiple individuals affected with 6-Pyruvoyl-Tetrahydropterin Synthase Deficiency: at-least two occurrences of being homozygous state and at-least one occurrence of being compound heterozygous with a second pathogenic variant (Ye_2013, Khatami_2017, Ciki_2021, Chiu_2012, Wang_2018). Additionally, one variant at the Ala111 residue (c.331G>T/p.A111S) has been evaluated as associated with disease (PMID: 36313470,29685341), suggesting that this codon is functionally important. These data indicate that the variant is very likely to be associated with disease. To our knowledge, no experimental evidence demonstrating an impact on protein function has been reported. The following publications have been ascertained in the context of this evaluation (PMID: 22237589, 34597372, 27246466, 29499199, 23138986). One submitter has cited clinical-significance assessments for this variant to ClinVar after 2014 and has classified the variant as pathogenic. Based on the evidence outlined above, the variant was classified as pathogenic.

Literature cited by the submitters: PubMed 27246466 (cited by 3 submitters); PubMed 37950276 (cited by Natera, Inc.); PubMed 23138986 (cited by Natera, Inc. and Women's Health and Genetics/Laboratory Corporation of America, LabCorp); PubMed 22237589 (cited by Labcorp Genetics (formerly Invitae), Labcorp and Women's Health and Genetics/Laboratory Corporation of America, LabCorp); PubMed 29499199 (cited by Labcorp Genetics (formerly Invitae), Labcorp and Women's Health and Genetics/Laboratory Corporation of America, LabCorp); PubMed 30001213 (cited by Labcorp Genetics (formerly Invitae), Labcorp); PubMed 29685341 (cited by Labcorp Genetics (formerly Invitae), Labcorp); PubMed 34597372 (cited by Women's Health and Genetics/Laboratory Corporation of America, LabCorp).

NM_000317.3(PTS):c.331G>A (p.Ala111Thr)

Gene: PTS (6-pyruvoyltetrahydropterin synthase; plus strand). Cytogenetic location: 11q23.1.
Variant type: single nucleotide variant.
Coding change: c.331G>A on transcript NM_000317.3 (MANE Select); coding-DNA position 331, G replaced by A.
Protein change: p.Ala111Thr; replaces alanine 111 with threonine.
Molecular consequence: missense variant.
Genome position (GRCh38, 1-based): chr11:112,233,448, G>A. VCF-style: chr11-112233448-G-A. GRCh37 (hg19) VCF-style: chr11-112104171-G-A.
Other names: c.331G>A (NM_000317.2); short protein forms A111T.
Identifiers: ClinVar variation 1453083 (VCV001453083.10), dbSNP rs1367077861, ClinGen allele CA382627971.